The following is an entry in ClinVar:

ClinVar aggregate classification (germline): Benign/Likely benign. Review status: criteria provided, multiple submitters, no conflicts (2 of 4 stars). 2 submissions from 2 submitters: Benign (1); Likely benign (1). Last evaluated 2026-07-01.

Conditions:
Kleefstra syndrome 1 (KLEFS1). Identifiers: Orphanet 261494, MedGen C0795833, MONDO:0027407, OMIM 610253.

gnomAD v4.1: 4 of 1,582,538 alleles (0.00025%); highest among the groups gnomAD compares: Non-Finnish European, 0.00034%; no homozygotes.

Submissions (2):

CeGaT Center for Human Genetics Tuebingen
Classification: Likely benign. Last evaluated: 2026-07-01. Review status: criteria provided, single submitter. Criteria: CeGaT Center For Human Genetics Tuebingen Variant Classification Criteria Version 2. Collection method: clinical testing. Allele origin: germline. Affected: yes. Observed: 1 variant allele.
Comment: EHMT1: BP4

Labcorp Genetics (formerly Invitae), Labcorp
Classification: Benign for Kleefstra syndrome 1. Last evaluated: 2021-03-08. Review status: criteria provided, single submitter. Criteria: Invitae Variant Classification Sherloc (09022015). Collection method: clinical testing. Allele origin: germline.

NM_024757.5(EHMT1):c.108A>C (p.Glu36Asp)

Gene: EHMT1 (euchromatic histone lysine methyltransferase 1; plus strand). Cytogenetic location: 9q34.3.
Variant type: single nucleotide variant.
Coding change: c.108A>C on transcript NM_024757.5 (MANE Select); coding-DNA position 108, A replaced by C.
Protein change: p.Glu36Asp; replaces glutamic acid 36 with aspartic acid.
Molecular consequence: missense variant.
Genome position (GRCh38, 1-based): chr9:137,716,648, A>C. VCF-style: chr9-137716648-A-C. GRCh37 (hg19) VCF-style: chr9-140611100-A-C.
Other names: c.108A>C, p.Glu36Asp (NM_001145527.2, NM_001354263.2, NM_001354611.2); c.15A>C, p.Glu5Asp (NM_001354259.2, NM_001354612.2); short protein forms E36D, E5D.
Identifiers: ClinVar variation 1004693 (VCV001004693.6), dbSNP rs1221520708, ClinGen allele CA375762205.